The following is an entry in ClinVar:

ClinVar aggregate classification (germline): Pathogenic. Review status: criteria provided, multiple submitters, no conflicts (2 of 4 stars). 2 submissions from 2 submitters: Pathogenic (2). Last evaluated 2024-10-26.

Conditions:
Meckel-Gruber syndrome. Also called: DYSENCEPHALIA SPLANCHNOCYSTICA; GRUBER SYNDROME; Dysencephalia splachnocystica. Identifiers: Orphanet 564, MedGen C0265215, MONDO:0018921.
Nephronophthisis. Also called: Juvenile Nephronophthisis. Identifiers: Orphanet 655, MedGen C0687120, MONDO:0019005, HP:0000090.
Joubert syndrome. Also called: JOUBERT-BOLTSHAUSER SYNDROME; Familial aplasia of the vermis. Identifiers: Orphanet 475, MedGen C5979921, MONDO:0018772.
CEP290-related ciliopathy. Also called: CEP290 ciliopathy. Identifiers: MedGen CN305601, MONDO:0100451.

Submissions (2):

Labcorp Genetics (formerly Invitae), Labcorp
Classification: Pathogenic for Joubert syndrome; Meckel-Gruber syndrome; Nephronophthisis. Last evaluated: 2024-10-26. Review status: criteria provided, single submitter. Criteria: Invitae Variant Classification Sherloc (09022015). Collection method: clinical testing. Allele origin: germline.
Comment: This sequence change creates a premature translational stop signal (p.Glu1353*) in the CEP290 gene. It is expected to result in an absent or disrupted protein product. Loss-of-function variants in CEP290 are known to be pathogenic (PMID: 16909394, 17345604, 20690115). This variant is not present in population databases (gnomAD no frequency). This variant has not been reported in the literature in individuals affected with CEP290-related conditions. ClinVar contains an entry for this variant (Variation ID: 2015916). Algorithms developed to predict the effect of sequence changes on RNA splicing suggest that this variant may disrupt the consensus splice site. For these reasons, this variant has been classified as Pathogenic.

Myriad Genetics, Inc.
Classification: Pathogenic for CEP290-related ciliopathy. Last evaluated: 2024-06-01. Review status: criteria provided, single submitter. Criteria: Myriad Autosomal Dominant, Autosomal Recessive and X-Linked Classification Criteria (2023). Collection method: clinical testing. Allele origin: unknown.
Comment: NM_025114.3(CEP290):c.4057G>T(E1353*) is expected to be pathogenic in the context of CEP290-related disorders. This variant is predicted to lead to an abnormal or absent protein product due to the creation of a premature termination codon in CEP290, a gene where loss-of-function variants are known to be pathogenic. Please note: this variant was assessed in the context of healthy population screening.

Literature cited by the submitters: PubMed 16909394 (cited by Labcorp Genetics (formerly Invitae), Labcorp); PubMed 17345604 (cited by Labcorp Genetics (formerly Invitae), Labcorp); PubMed 20690115 (cited by Labcorp Genetics (formerly Invitae), Labcorp).

NM_025114.4(CEP290):c.4057G>T (p.Glu1353Ter)

Gene: CEP290 (centrosomal protein 290; minus strand). Cytogenetic location: 12q21.32.
Variant type: single nucleotide variant.
Coding change: c.4057G>T on transcript NM_025114.4 (MANE Select); coding-DNA position 4057, G replaced by T.
Protein change: p.Glu1353Ter; replaces glutamic acid 1353 with a stop codon.
Molecular consequence: nonsense.
Genome position (GRCh38, 1-based): chr12:88,087,917, C>A on the plus strand (G>T on the coding strand, the complement: CEP290 is on the minus strand). VCF-style: chr12-88087917-C-A. GRCh37 (hg19) VCF-style: chr12-88481694-C-A.
Other names: short protein forms E1353*.
Identifiers: ClinVar variation 2015916 (VCV002015916.5), dbSNP rs2500066079, ClinGen allele CA385999302.
Genomic context (GRCh38, chr12:88,087,917, plus strand): 5'-TTATTTCTTCTTTATCCTTGACTAATTCCCGATTTAGTTTAAGTTCTTGAAGACGAAGTT[C>A]TTCTATTTTCATATGCCAGTTGATTACCTAAGATTTACAATTTATATACACAAATATAAA-3'